The following is an entry in ClinVar:

ClinVar aggregate classification (germline): Conflicting classifications of pathogenicity. Review status: criteria provided, conflicting classifications (1 of 4 stars). 5 submissions from 5 submitters: Uncertain significance (4); Benign (1). Last evaluated 2025-08-17.

Conditions:
Familial hypobetalipoproteinemia 1. Also called: APOB-Related Familial Hypobetalipoproteinemia; Hypobetalipoproteinemia, normotriglyceridemic; Acanthocytosis with hypobetalipoproteinemia. Identifiers: MedGen C4551990, MONDO:0014252, OMIM 615558.
Hypercholesterolemia, autosomal dominant, type B (FHCL2). Also called: APOLIPOPROTEIN B-100, FAMILIAL DEFECTIVE; APOLIPOPROTEIN B-100, FAMILIAL LIGAND-DEFECTIVE; HYPERCHOLESTEROLEMIA, FAMILIAL, DUE TO LIGAND-DEFECTIVE APOLIPOPROTEIN B; Hyperlipoproteinemia Type IIb; Familial hypercholesterolemia 2; Familial Hypercholesterolemia Type B. Identifiers: MedGen C1704417, MONDO:0007751, OMIM 144010.
Cardiovascular phenotype. Identifiers: MedGen CN230736.

Allele frequency attached by ClinVar (database versions not stated): gnomAD exomes 0.00002; ExAC 0.00005; gnomAD 0.00014 and 0.00015; TOPMed 0.00014; 1000 Genomes Project 0.00020; 1000 Genomes Project 30x 0.00031; ESP Exome Variant Server 0.00031.
gnomAD v4.1: 39 of 1,614,116 alleles (0.0024%); highest among the groups gnomAD compares: African/African-American, 0.049%; no homozygotes.

Submissions (5):

Labcorp Genetics (formerly Invitae), Labcorp
Classification: Benign for Familial hypobetalipoproteinemia 1; Hypercholesterolemia, autosomal dominant, type B. Last evaluated: 2025-08-17. Review status: criteria provided, single submitter. Criteria: Invitae Variant Classification Sherloc (09022015). Collection method: clinical testing. Allele origin: germline.

GeneDx
Classification: Uncertain significance. Last evaluated: 2024-08-04. Review status: criteria provided, single submitter. Criteria: GeneDx Variant Classification Process June 2021. Collection method: clinical testing. Allele origin: germline. Affected: yes.
Comment: In silico analysis supports that this missense variant has a deleterious effect on protein structure/function; Has not been previously published as pathogenic or benign to our knowledge

Mayo Clinic Laboratories, Mayo Clinic
Classification: Uncertain significance. Last evaluated: 2024-07-10. Review status: criteria provided, single submitter. Criteria: ACMG Guidelines, 2015. Collection method: clinical testing. Allele origin: germline. Observed: 1 variant allele.
Comment: BP4

Ambry Genetics
Classification: Uncertain significance for Cardiovascular phenotype. Last evaluated: 2023-10-10. Review status: criteria provided, single submitter. Criteria: Ambry Variant Classification Scheme 2023. Collection method: clinical testing. Allele origin: germline.

Fulgent Genetics
Classification: Uncertain significance for Hypercholesterolemia, autosomal dominant, type B; Familial hypobetalipoproteinemia 1. Last evaluated: 2021-08-25. Review status: criteria provided, single submitter. Criteria: ACMG Guidelines, 2015. Collection method: clinical testing. Allele origin: unknown.

NM_000384.3(APOB):c.7577T>C (p.Met2526Thr)

Gene: APOB (apolipoprotein B; minus strand). Cytogenetic location: 2p24.1.
Variant type: single nucleotide variant.
Coding change: c.7577T>C on transcript NM_000384.3 (MANE Select); coding-DNA position 7577, T replaced by C.
Protein change: p.Met2526Thr; replaces methionine 2526 with threonine.
Molecular consequence: missense variant.
Genome position (GRCh38, 1-based): chr2:21,009,291, A>G on the plus strand (T>C on the coding strand, the complement: APOB is on the minus strand). VCF-style: chr2-21009291-A-G. GRCh37 (hg19) VCF-style: chr2-21232163-A-G.
Other names: p.Met2526Thr; short protein forms M2526T.
Identifiers: ClinVar variation 1001406 (VCV001001406.15), dbSNP rs373272476, ClinGen allele CA064535.